The following is an entry in ClinVar:

ClinVar aggregate classification (germline): Likely benign (1 of 4 stars; one submission).

gnomAD v4.1: 114 of 1,611,120 alleles (0.0071%); highest among the groups gnomAD compares: East Asian, 0.12%; 1 homozygote.

Submission:

CeGaT Center for Human Genetics Tuebingen
Classification: Likely benign. Last evaluated: 2026-02-01. Review status: criteria provided, single submitter. Criteria: CeGaT Center For Human Genetics Tuebingen Variant Classification Criteria Version 2. Collection method: clinical testing. Allele origin: germline. Affected: yes. Observed: 1 variant allele.
Comment: MASP1: BP4, BP7

NM_001879.6(MASP1):c.1461C>T (p.Thr487=)

Gene: MASP1 (MBL associated serine protease 1; minus strand). Cytogenetic location: 3q27.3.
Variant type: single nucleotide variant.
Coding change: c.1461C>T on transcript NM_001879.6 (MANE Plus Clinical); coding-DNA position 1461, C replaced by T.
Protein change: p.Thr487=; no amino-acid change (threonine 487 retained).
Molecular consequence: synonymous variant.
Genome position (GRCh38, 1-based): chr3:187,226,501, G>A on the plus strand (C>T on the coding strand, the complement: MASP1 is on the minus strand). VCF-style: chr3-187226501-G-A. GRCh37 (hg19) VCF-style: chr3-186944289-G-A.
Identifiers: ClinVar variation 4820724 (VCV004820724.4).
Genomic context (GRCh38, chr3:187,226,501, plus strand): 5'-GTCTGAATCACGTAGGGTCGGATCTTCCGGATCGAGTGACTGGTGGAGGCAGTGTGCGGC[G>A]GTCACGATCCAGCTGGAGCCTGGGGAACAGAACACACGTCTCATCGTCCTGCACTACTGG-3'
Protein context (NP_001870.3, residues 477-497): GSLLGSSWIV[Thr487=]AAHCLHQSLD